The following is an entry in ClinVar:

ClinVar aggregate classification (germline): Uncertain significance. Review status: criteria provided, multiple submitters, no conflicts (2 of 4 stars). 2 submissions from 2 submitters: Uncertain significance (2). Last evaluated 2025-12-24.

Submissions (2):

Labcorp Genetics (formerly Invitae), Labcorp
Classification: Uncertain significance. Last evaluated: 2025-12-24. Review status: criteria provided, single submitter. Criteria: Invitae Variant Classification Sherloc (09022015). Collection method: clinical testing. Allele origin: germline.
Comment: This sequence change replaces tyrosine, which is neutral and polar, with asparagine, which is neutral and polar, at codon 445 of the FSCN2 protein (p.Tyr445Asn). This variant is not present in population databases (gnomAD no frequency). This variant has not been reported in the literature in individuals affected with FSCN2-related conditions. An algorithm developed to predict the effect of missense changes on protein structure and function (PolyPhen-2) suggests that this variant is likely to be disruptive. In summary, the available evidence is currently insufficient to determine the role of this variant in disease. Therefore, it has been classified as a Variant of Uncertain Significance.

Ambry Genetics
Classification: Uncertain significance. Last evaluated: 2025-10-07. Review status: criteria provided, single submitter. Criteria: Ambry Variant Classification Scheme 2023. Collection method: clinical testing. Allele origin: germline.

NM_012418.4(FSCN2):c.1261T>A (p.Tyr421Asn)

Gene: FSCN2 (fascin actin-bundling protein 2, retinal; plus strand). Cytogenetic location: 17q25.3.
Variant type: single nucleotide variant.
Coding change: c.1261T>A on transcript NM_012418.4 (MANE Select); coding-DNA position 1261, T replaced by A.
Protein change: p.Tyr421Asn; replaces tyrosine 421 with asparagine.
Molecular consequence: missense variant.
Genome position (GRCh38, 1-based): chr17:81,536,777, T>A. VCF-style: chr17-81536777-T-A. GRCh37 (hg19) VCF-style: chr17-79503803-T-A.
Other names: c.1333T>A, p.Tyr445Asn (NM_001077182.3); short protein forms Y445N, Y421N.
Identifiers: ClinVar variation 4669925 (VCV004669925.2).
Genomic context (GRCh38, chr17:81,536,777, plus strand): 5'-CAGCTGGACACCAACCGCTCCGTCTACGACGTCTTCCACCTGAGCTTCAGCGACGGCGCC[T>A]ACCGGATCCGAGGTGCGTGGCGGGGCGGGTGGGCACGCGGGAGCGGGGGTGGCAGCGGGC-3'
Protein context (NP_036550.1, residues 411-431): VFHLSFSDGA[Tyr421Asn]RIRGRDGGFW